The following is an entry in ClinVar:

ClinVar aggregate classification (germline): Likely benign. Review status: criteria provided, single submitter (1 of 4 stars). 2 submissions from 2 submitters: Likely benign (1). 1 of the submissions does not count toward it. Last evaluated 2018-01-19.

Conditions:
ARHGAP29-related disorder. Also called: ARHGAP29-related condition; ARHGAP29-Related Disorders.

Allele frequency attached by ClinVar (database versions not stated): gnomAD exomes below 0.00001 and 0.00001; TOPMed 0.00002; gnomAD 0.00003.
gnomAD v4.1: 21 of 1,613,070 alleles (0.0013%); highest among the groups gnomAD compares: East Asian, 0.013%; no homozygotes.

Submissions (2):

Labcorp Genetics (formerly Invitae), Labcorp
Classification: Likely benign. Last evaluated: 2018-01-19. Review status: criteria provided, single submitter. Criteria: Invitae Variant Classification Sherloc (09022015). Collection method: clinical testing. Allele origin: germline.

PreventionGenetics, part of Exact Sciences
Classification: Likely benign for ARHGAP29-related condition. Last evaluated: 2019-02-27. Review status: no assertion criteria provided. Collection method: clinical testing. Allele origin: germline. Not counted in ClinVar's aggregate classification.
Comment: This variant is classified as likely benign based on ACMG/AMP sequence variant interpretation guidelines (Richards et al. 2015 PMID: 25741868, with internal and published modifications).

NM_004815.4(ARHGAP29):c.1527T>C (p.Ser509=)

Gene: ARHGAP29 (Rho GTPase activating protein 29; minus strand). Cytogenetic location: 1p22.1.
Variant type: single nucleotide variant.
Coding change: c.1527T>C on transcript NM_004815.4 (MANE Select); coding-DNA position 1527, T replaced by C.
Protein change: p.Ser509=; no amino-acid change (serine 509 retained).
Molecular consequence: synonymous variant.
Genome position (GRCh38, 1-based): chr1:94,189,265, A>G on the plus strand (T>C on the coding strand, the complement: ARHGAP29 is on the minus strand). VCF-style: chr1-94189265-A-G. GRCh37 (hg19) VCF-style: chr1-94654821-A-G.
Other names: c.1527T>C, p.Ser509= (NM_001328664.2); c.1335T>C, p.Ser445= (NM_001328665.2, NM_001328667.2); c.1500T>C, p.Ser500= (NM_001328666.2).
Identifiers: ClinVar variation 734578 (VCV000734578.5), dbSNP rs954303155, ClinGen allele CA26848598.